The following is an entry in ClinVar:

NM_017721.5(CC2D1A):c.511_513+1del

Gene: CC2D1A (coiled-coil and C2 domain containing 1A; plus strand). Cytogenetic location: 19p13.12.
Variant type: Deletion.
Coding change: c.511_513+1del on transcript NM_017721.5 (MANE Select); coding-DNA position 511 through the canonical splice donor site of the intron after coding-DNA position 513, 4 bases deleted (AAAG; older notation c.511_513+1delAAAG).
Molecular consequence: splice donor variant.
Genome position (GRCh38, 1-based): chr19:13,913,300-13,913,303, AAAG deleted. VCF-style (leftmost placement, unchanged base first): chr19-13913299-TAAAG-T. GRCh37 (hg19) VCF-style: chr19-14024112-TAAAG-T.
Identifiers: ClinVar variation 1324018 (VCV001324018.7), dbSNP rs777057767, ClinGen allele CA9244306.

ClinVar aggregate classification (germline): Likely pathogenic. Review status: criteria provided, multiple submitters, no conflicts (2 of 4 stars). 2 submissions from 2 submitters: Likely pathogenic (2). Last evaluated 2024-03-06.

Conditions:
Intellectual developmental disorder, autosomal recessive 3. Also called: Intellectual disability, autosomal recessive 3. Identifiers: Orphanet 88616, MedGen C1838023, MONDO:0012037, OMIM 608443.

Allele frequency attached by ClinVar (database versions not stated): ExAC 0.00002; gnomAD exomes 0.00001.

Submissions (2):

Labcorp Genetics (formerly Invitae), Labcorp
Classification: Likely pathogenic. Last evaluated: 2024-03-06. Review status: criteria provided, single submitter. Criteria: Invitae Variant Classification Sherloc (09022015). Collection method: clinical testing. Allele origin: germline.
Comment: This variant results in the deletion of part of exon 5 (c.511_513+1del) of the CC2D1A gene. It is expected to disrupt RNA splicing. Variants that disrupt the donor or acceptor splice site typically lead to a loss of protein function (PMID: 16199547), and loss-of-function variants in CC2D1A are known to be pathogenic (PMID: 16033914). This variant is present in population databases (rs777057767, gnomAD 0.01%). This variant has not been reported in the literature in individuals affected with CC2D1A-related conditions. ClinVar contains an entry for this variant (Variation ID: 1324018). In summary, the currently available evidence indicates that the variant is pathogenic, but additional data are needed to prove that conclusively. Therefore, this variant has been classified as Likely Pathogenic.

Revvity Omics, Revvity
Classification: Likely pathogenic for Intellectual developmental disorder, autosomal recessive 3. Last evaluated: 2021-10-19. Review status: criteria provided, single submitter. Criteria: ACMG Guidelines, 2015. Collection method: clinical testing. Allele origin: germline.

Literature cited by the submitters: PubMed 16199547 (cited by Labcorp Genetics (formerly Invitae), Labcorp); PubMed 16033914 (cited by Labcorp Genetics (formerly Invitae), Labcorp).